The following is an entry in ClinVar:

NM_003072.5(SMARCA4):c.4550A>C (p.His1517Pro)

Gene: SMARCA4 (SWI/SNF related BAF chromatin remodeling complex subunit ATPase 4; plus strand). Cytogenetic location: 19p13.2.
Variant type: single nucleotide variant.
Coding change: c.4550A>C on transcript NM_003072.5 (MANE Select); coding-DNA position 4550, A replaced by C.
Protein change: p.His1517Pro; replaces histidine 1517 with proline.
Molecular consequence: missense variant. On other transcripts: non-coding transcript variant (1).
Genome position (GRCh38, 1-based): chr19:11,058,804, A>C. VCF-style: chr19-11058804-A-C. GRCh37 (hg19) VCF-style: chr19-11169480-A-C.
Other names: c.4550A>C, p.His1517Pro (NM_001128844.3); c.4460A>C, p.His1487Pro (NM_001128845.2); c.4457A>C, p.His1486Pro (NM_001128846.2); c.4451A>C, p.His1484Pro (NM_001128847.4, NM_001374457.1); c.4448A>C, p.His1483Pro (NM_001128848.2); c.4646A>C, p.His1549Pro (NM_001128849.3, NM_001387283.1); c.4547A>C, p.His1516Pro (NM_001411150.1); short protein forms H1486P, H1516P, H1517P, H1549P, H1483P, H1487P, H1484P.
Identifiers: ClinVar variation 1742151 (VCV001742151.2), dbSNP rs2147097075, ClinGen allele CA404078723.

ClinVar aggregate classification (germline): Uncertain significance (1 of 4 stars; one submission).

Conditions:
Hereditary cancer-predisposing syndrome. Also called: Hereditary Cancer Syndrome; Hereditary neoplastic syndrome; Neoplastic Syndromes, Hereditary; Tumor predisposition. Identifiers: Orphanet 140162, MedGen C0027672, MeSH D009386, MONDO:0015356.

Submission:

Ambry Genetics
Classification: Uncertain significance for Hereditary cancer-predisposing syndrome. Last evaluated: 2021-03-16. Review status: criteria provided, single submitter. Criteria: Ambry Variant Classification Scheme 2023. Collection method: clinical testing. Allele origin: germline.
Comment: The p.H1549P variant (also known as c.4646A>C), located in coding exon 32 of the SMARCA4 gene, results from an A to C substitution at nucleotide position 4646. The histidine at codon 1549 is replaced by proline, an amino acid with similar properties. This amino acid position is highly conserved in available vertebrate species. In addition, the in silico prediction for this alteration is inconclusive. Missense and in-frame variants in SMARCA4 are known to cause neurodevelopmental disorders; however, such associations with rhabdoid tumor predisposition syndrome including small cell carcinoma of the ovary-hypercalcemic type (SCCOHT) are exceedingly rare (Kosho T et al. Am J Med Genet C Semin Med Genet. 2014 Sep;166C(3):262-75; Jelinic P et al. Nat Genet. 2014 May;46(5):424-6). Based on the supporting evidence, the association of this alteration with Coffin-Siris syndrome is unknown; however, the association of this alteration with rhabdoid tumor predisposition syndrome is unlikely.